The following is an entry in ClinVar:

ClinVar aggregate classification (germline): Benign/Likely benign. Review status: criteria provided, multiple submitters, no conflicts (2 of 4 stars). 14 submissions from 14 submitters: Benign (3); Likely benign (9). 2 of the submissions do not count toward it. Last evaluated 2026-02-02.

Conditions:
BRIP1-related disorder. Also called: BRIP1-related condition; BRIP1-related disorders. Identifiers: MedGen CN239206.
Hereditary cancer-predisposing syndrome. Also called: Tumor predisposition; Neoplastic Syndromes, Hereditary; Hereditary Cancer Syndrome; Hereditary neoplastic syndrome. Identifiers: Orphanet 140162, MedGen C0027672, MeSH D009386, MONDO:0015356.
Breast and/or ovarian cancer. Identifiers: MedGen CN221562.
Fanconi anemia complementation group J. Also called: BRIP1-Related Fanconi Anemia. Identifiers: Orphanet 84, MedGen C1836860, MONDO:0012187, OMIM 609054.
Familial cancer of breast. Also called: hereditary breast carcinoma; BREAST CANCER, FAMILIAL; Hereditary breast cancer. Identifiers: Orphanet 227535, MedGen C0346153, MONDO:0016419, OMIM 114480. Disease mechanism: loss of function.

Allele frequency attached by ClinVar (database versions not stated): TOPMed 0.00009; gnomAD exomes 0.00012; ExAC 0.00014; 1000 Genomes Project 30x 0.00016; 1000 Genomes Project 0.00020; ESP Exome Variant Server 0.00023.
gnomAD v4.1: 135 of 1,614,036 alleles (0.0084%); highest among the groups gnomAD compares: South Asian, 0.047%; no homozygotes.

Submissions (14):

Labcorp Genetics (formerly Invitae), Labcorp
Classification: Likely benign for Familial cancer of breast; Fanconi anemia complementation group J. Last evaluated: 2026-02-02. Review status: criteria provided, single submitter. Criteria: Invitae Variant Classification Sherloc (09022015). Collection method: clinical testing. Allele origin: germline.

CeGaT Center for Human Genetics Tuebingen
Classification: Likely benign. Last evaluated: 2025-05-01. Review status: criteria provided, single submitter. Criteria: CeGaT Center For Human Genetics Tuebingen Variant Classification Criteria Version 2. Collection method: clinical testing. Allele origin: germline. Affected: yes. Observed: 1 variant allele.
Comment: BRIP1: BP4, BP7

Center for Genomic Medicine, Rigshospitalet, Copenhagen University Hospital
Classification: Likely benign. Last evaluated: 2025-03-04. Review status: criteria provided, single submitter. Criteria: ACMG Guidelines, 2015. Collection method: clinical testing. Allele origin: germline.

Women's Health and Genetics/Laboratory Corporation of America, LabCorp
Classification: Benign. Last evaluated: 2024-11-13. Review status: criteria provided, single submitter. Criteria: LabCorp Variant Classification Summary - May 2015. Collection method: clinical testing. Allele origin: germline.

Blueprint Genetics
Classification: Likely benign. Last evaluated: 2024-10-24. Review status: criteria provided, single submitter. Criteria: ACMG Guidelines, 2015. Collection method: clinical testing. Allele origin: germline.

Myriad Genetics, Inc.
Classification: Benign for Familial cancer of breast. Last evaluated: 2024-09-09. Review status: criteria provided, single submitter. Criteria: Myriad Autosomal Dominant, Autosomal Recessive and X-Linked Classification Criteria (2023). Collection method: clinical testing. Allele origin: unknown.
Comment: This variant is considered benign. This variant is a silent/synonymous amino acid change and it is not expected to impact splicing.

Sema4
Classification: Likely benign for Hereditary cancer-predisposing syndrome. Last evaluated: 2021-11-02. Review status: criteria provided, single submitter. Criteria: Sema4 Curation Guidelines. Collection method: curation. Allele origin: germline.

CHEO Genetics Diagnostic Laboratory, Children's Hospital of Eastern Ontario
Classification: Likely benign for Breast and/or ovarian cancer. Last evaluated: 2020-06-22. Review status: criteria provided, single submitter. Criteria: ACMG Guidelines, 2015. Collection method: clinical testing. Allele origin: germline.

Genetic Services Laboratory, University of Chicago
Classification: Likely benign. Last evaluated: 2017-11-01. Review status: criteria provided, single submitter. Criteria: ACMG Guidelines, 2015. Collection method: clinical testing. Allele origin: germline. Affected: no.

Color Diagnostics, LLC DBA Color Health
Classification: Likely benign for Hereditary cancer-predisposing syndrome. Last evaluated: 2016-12-12. Review status: criteria provided, single submitter. Criteria: ACMG Guidelines, 2015. Collection method: clinical testing. Allele origin: germline.

Ambry Genetics
Classification: Likely benign for Hereditary cancer-predisposing syndrome. Last evaluated: 2015-03-11. Review status: criteria provided, single submitter. Criteria: Ambry Variant Classification Scheme 2023. Collection method: clinical testing. Allele origin: germline.

GeneDx
Classification: Benign. Last evaluated: 2014-08-27. Review status: criteria provided, single submitter. Criteria: GeneDx Variant Classification (06012015). Collection method: clinical testing. Allele origin: germline. Affected: yes.
Comment: This variant is considered likely benign or benign based on one or more of the following criteria: it is a conservative change, it occurs at a poorly conserved position in the protein, it is predicted to be benign by multiple in silico algorithms, and/or has population frequency not consistent with disease.

PreventionGenetics, part of Exact Sciences
Classification: Likely benign for BRIP1-related condition. Last evaluated: 2022-03-25. Review status: no assertion criteria provided. Collection method: clinical testing. Allele origin: germline. Not counted in ClinVar's aggregate classification.
Comment: This variant is classified as likely benign based on ACMG/AMP sequence variant interpretation guidelines (Richards et al. 2015 PMID: 25741868, with internal and published modifications).

Leiden Open Variation Database
Classification: Benign. Last evaluated: 2019-08-13. Review status: no assertion criteria provided. Collection method: curation. Allele origin: germline. Affected: yes. Not counted in ClinVar's aggregate classification.
Comment: Curator: Arleen D. Auerbach. Submitter to LOVD: Yukihide Momozawa.

Literature cited by the submitters: PubMed 31214711 (cited by Leiden Open Variation Database).

NM_032043.3(BRIP1):c.3069C>T (p.Leu1023=)

Gene: BRIP1 (BRCA1 interacting DNA helicase 1; minus strand). Cytogenetic location: 17q23.2.
Variant type: single nucleotide variant.
Coding change: c.3069C>T on transcript NM_032043.3 (MANE Select); coding-DNA position 3069, C replaced by T.
Protein change: p.Leu1023=; no amino-acid change (leucine 1023 retained).
Molecular consequence: synonymous variant.
Genome position (GRCh38, 1-based): chr17:61,683,977, G>A on the plus strand (C>T on the coding strand, the complement: BRIP1 is on the minus strand). VCF-style: chr17-61683977-G-A. GRCh37 (hg19) VCF-style: chr17-59761338-G-A.
Other names: p.L1023L:CTC>CTT.
Identifiers: ClinVar variation 182356 (VCV000182356.44), dbSNP rs61754142, ClinGen allele CA298898.